The following is an entry in ClinVar:

NM_006031.6(PCNT):c.4611A>G (p.Arg1537=)

Gene: PCNT (pericentrin; plus strand). Cytogenetic location: 21q22.3.
Variant type: single nucleotide variant.
Coding change: c.4611A>G on transcript NM_006031.6 (MANE Select); coding-DNA position 4611, A replaced by G.
Protein change: p.Arg1537=; no amino-acid change (arginine 1537 retained).
Molecular consequence: synonymous variant.
Genome position (GRCh38, 1-based): chr21:46,399,616, A>G. VCF-style: chr21-46399616-A-G. GRCh37 (hg19) VCF-style: chr21-47819530-A-G.
Other names: c.4257A>G, p.Arg1419= (NM_001315529.2).
Identifiers: ClinVar variation 159607 (VCV000159607.9), dbSNP rs587784305, ClinGen allele CA173012.

ClinVar aggregate classification (germline): Likely benign. Review status: criteria provided, multiple submitters, no conflicts (2 of 4 stars). 2 submissions from 2 submitters: Likely benign (2). Last evaluated 2023-03-21.

Submissions (2):

Labcorp Genetics (formerly Invitae), Labcorp
Classification: Likely benign. Last evaluated: 2023-03-21. Review status: criteria provided, single submitter. Criteria: Invitae Variant Classification Sherloc (09022015). Collection method: clinical testing. Allele origin: germline.

Genetic Services Laboratory, University of Chicago
Classification: Likely benign. Last evaluated: 2014-03-17. Review status: criteria provided, single submitter. Criteria: ACMG Guidelines, 2007. Collection method: clinical testing. Allele origin: germline. Inheritance: Autosomal recessive inheritance.
Comment: Likely benign based on allele frequency in 1000 Genomes Project or ESP global frequency and its presence in a patient with a rare or unrelated disease phenotype. NOT Sanger confirmed